The following is an entry in ClinVar:

ClinVar aggregate classification (germline): Benign/Likely benign. Review status: criteria provided, multiple submitters, no conflicts (2 of 4 stars). 3 submissions from 3 submitters: Benign (1); Likely benign (2). Last evaluated 2024-04-23.

Conditions:
Hereditary cancer-predisposing syndrome. Also called: Tumor predisposition; Hereditary Cancer Syndrome; Neoplastic Syndromes, Hereditary; Hereditary neoplastic syndrome. Identifiers: Orphanet 140162, MedGen C0027672, MeSH D009386, MONDO:0015356.
Ataxia-telangiectasia syndrome (AT). Also called: Cerebello-oculocutaneous telangiectasia; Immunodeficiency with ataxia telangiectasia; Ataxia telangiectasia (A-T); LOUIS-BAR SYNDROME; ATAXIA-TELANGIECTASIA, COMPLEMENTATION GROUP A; ATAXIA-TELANGIECTASIA, FRESNO VARIANT. Identifiers: Orphanet 100, MedGen C0004135, MONDO:0008840, OMIM 208900.
Familial cancer of breast. Also called: Hereditary breast cancer; BREAST CANCER, FAMILIAL; hereditary breast carcinoma. Identifiers: Orphanet 227535, MedGen C0346153, MONDO:0016419, OMIM 114480. Disease mechanism: loss of function.

Submissions (3):

Myriad Genetics, Inc.
Classification: Benign for Familial cancer of breast. Last evaluated: 2024-04-23. Review status: criteria provided, single submitter. Criteria: Myriad Autosomal Dominant, Autosomal Recessive and X-Linked Classification Criteria (2023). Collection method: clinical testing. Allele origin: unknown.
Comment: This variant is considered benign. This variant is a silent/synonymous amino acid change and it is not expected to impact splicing.

Labcorp Genetics (formerly Invitae), Labcorp
Classification: Likely benign for Ataxia-telangiectasia syndrome. Last evaluated: 2024-02-19. Review status: criteria provided, single submitter. Criteria: Invitae Variant Classification Sherloc (09022015). Collection method: clinical testing. Allele origin: germline.

Ambry Genetics
Classification: Likely benign for Hereditary cancer-predisposing syndrome. Last evaluated: 2022-02-03. Review status: criteria provided, single submitter. Criteria: Ambry Variant Classification Scheme 2023. Collection method: clinical testing. Allele origin: germline.

NM_000051.4(ATM):c.855G>C (p.Leu285=)

Gene: ATM (ATM serine/threonine kinase; plus strand). Cytogenetic location: 11q22.3.
Variant type: single nucleotide variant.
Coding change: c.855G>C on transcript NM_000051.4 (MANE Select); coding-DNA position 855, G replaced by C.
Protein change: p.Leu285=; no amino-acid change (leucine 285 retained).
Molecular consequence: synonymous variant.
Genome position (GRCh38, 1-based): chr11:108,244,980, G>C. VCF-style: chr11-108244980-G-C. GRCh37 (hg19) VCF-style: chr11-108115707-G-C.
Other names: c.855G>C, p.Leu285= (NM_001351834.2).
Identifiers: ClinVar variation 215596 (VCV000215596.13), dbSNP rs863224299, ClinGen allele CA335849.
Genomic context (GRCh38, chr11:108,244,980, plus strand): 5'-TTGGACTCAACATAGGCTTAATGATTCTTTAAAAGAAGTCATTATTGAATTATTTCAACT[G>C]CAAATTTATATCCATCATCCGAAAGGAGCCAAAACCCAAGAAAAAGGTATAAAGGAAATG-3'
Protein context (NP_000042.3, residues 275-295): LKEVIIELFQ[Leu285=]QIYIHHPKGA